The following is an entry in ClinVar:

ClinVar aggregate classification (germline): Uncertain significance (1 of 4 stars; one submission).

Conditions:
Hereditary cancer-predisposing syndrome. Also called: Tumor predisposition; Hereditary neoplastic syndrome; Hereditary Cancer Syndrome; Neoplastic Syndromes, Hereditary. Identifiers: Orphanet 140162, MedGen C0027672, MeSH D009386, MONDO:0015356.

Submission:

Ambry Genetics
Classification: Uncertain significance for Hereditary cancer-predisposing syndrome. Last evaluated: 2026-02-13. Review status: criteria provided, single submitter. Criteria: Ambry Variant Classification Scheme 2023. Collection method: clinical testing. Allele origin: germline.
Comment: The p.K2816N variant (also known as c.8448A>C), located in coding exon 57 of the ATM gene, results from an A to C substitution at nucleotide position 8448. The lysine at codon 2816 is replaced by asparagine, an amino acid with similar properties. This amino acid position is highly conserved in available vertebrate species. In addition, this alteration is predicted to be tolerated by in silico analysis. Based on the available evidence, the clinical significance of this variant remains unclear.

NM_000051.4(ATM):c.8448A>C (p.Lys2816Asn)

Genes: ATM (ATM serine/threonine kinase; plus strand), C11orf65 (chromosome 11 open reading frame 65; minus strand). Cytogenetic location: 11q22.3.
Variant type: single nucleotide variant.
Coding change: c.8448A>C on transcript NM_000051.4 (MANE Select); coding-DNA position 8448, A replaced by C.
Protein change: p.Lys2816Asn; replaces lysine 2816 with asparagine.
Molecular consequence: missense variant. On other transcripts: intron variant (2).
Genome position (GRCh38, 1-based): chr11:108,345,772, A>C. VCF-style: chr11-108345772-A-C. GRCh37 (hg19) VCF-style: chr11-108216499-A-C.
Other names: c.8448A>C, p.Lys2816Asn (NM_001351834.2); c.641-36701T>G (NM_001330368.2); c.695-10480T>G (NM_001351110.2); short protein forms K2816N.
Identifiers: ClinVar variation 4825521 (VCV004825521.1).